The following is an entry in ClinVar:

ClinVar aggregate classification (germline): Uncertain significance (1 of 4 stars; one submission).

Conditions:
SAMD9-related disorder. Also called: SAMD9-related condition.

Submission:

PreventionGenetics, part of Exact Sciences
Classification: Uncertain significance for SAMD9-related condition. Last evaluated: 2022-09-20. Review status: criteria provided, single submitter. Criteria: ACMG Guidelines, 2015. Collection method: clinical testing. Allele origin: germline.
Comment: The SAMD9 c.2455_2456delinsTT variant is predicted to result in an in-frame deletion and insertion. To our knowledge, this variant has not been reported in the literature or in a large population database, indicating this variant is rare. At this time, the clinical significance of this variant is uncertain due to the absence of conclusive functional and genetic evidence.

NM_017654.4(SAMD9):c.2455_2456delinsTT (p.Ala819Phe)

Gene: SAMD9 (sterile alpha motif domain containing 9; minus strand). Cytogenetic location: 7q21.2.
Variant type: Indel.
Coding change: c.2455_2456delinsTT on transcript NM_017654.4 (MANE Select); coding-DNA positions 2455 to 2456, GC replaced by TT.
Protein change: p.Ala819Phe; replaces alanine 819 with phenylalanine.
Molecular consequence: missense variant.
Genome position (GRCh38, 1-based): chr7:93,103,642-93,103,643, GC replaced by AA on the plus strand (GC replaced by TT on the coding strand, the reverse complement: SAMD9 is on the minus strand). VCF-style: chr7-93103642-GC-AA. GRCh37 (hg19) VCF-style: chr7-92732955-GC-AA.
Other names: c.2455_2456delinsTT, p.Ala819Phe (NM_001193307.2); short protein forms A819F.
Identifiers: ClinVar variation 2637095 (VCV002637095.1), dbSNP rs2535358208, ClinGen allele CA2695199575.